The following is an entry in ClinVar:

NM_000268.4(NF2):c.811T>C (p.Phe271Leu)

Gene: NF2 (NF2, moesin-ezrin-radixin like (MERLIN) tumor suppressor; plus strand). Cytogenetic location: 22q12.2.
Variant type: single nucleotide variant.
Coding change: c.811T>C on transcript NM_000268.4 (MANE Select); coding-DNA position 811, T replaced by C.
Protein change: p.Phe271Leu; replaces phenylalanine 271 with leucine.
Molecular consequence: missense variant. On other transcripts: non-coding transcript variant (1), intron variant (1).
Genome position (GRCh38, 1-based): chr22:29,664,990, T>C. VCF-style: chr22-29664990-T-C. GRCh37 (hg19) VCF-style: chr22-30060979-T-C.
Other names: c.697T>C, p.Phe233Leu (NM_001407053.1, NM_001407056.1); c.688T>C, p.Phe230Leu (NM_001407054.1, NM_001407058.1, NM_181829.3); c.685T>C, p.Phe229Leu (NM_001407055.1, NM_181828.3); c.676T>C, p.Phe226Leu (NM_001407057.1, NM_001407059.1); c.811T>C, p.Phe271Leu (NM_001407060.1, NM_001407066.1, NM_016418.5 and 2 more transcripts); c.553T>C, p.Phe185Leu (NM_001407062.1); c.562T>C, p.Phe188Leu (NM_001407063.1, NM_001407064.1, NM_181830.3 and 1 more transcripts); c.277T>C, p.Phe93Leu (NM_001407065.1); and 2 more; short protein forms F188L, F194L, F229L, F230L, F233L, F185L, F226L, F271L.
Identifiers: ClinVar variation 4119205 (VCV004119205.1).
Genomic context (GRCh38, chr22:29,664,990, plus strand): 5'-CAATTGCTGGTAACATTCCAGGCTGTCGGACTGAAACTGTGTTCTGCTTCATTCTTCCAG[T>C]TTACTATTAAACCACTGGATAAGAAAATTGATGTCTTCAAGTTTAACTCCTCAAAGCTTC-3'
Protein context (NP_000259.1, residues 261-281): IRNISYSDKE[Phe271Leu]TIKPLDKKID

ClinVar aggregate classification (germline): Uncertain significance (1 of 4 stars; one submission).

Conditions:
Hereditary cancer-predisposing syndrome. Also called: Hereditary neoplastic syndrome; Neoplastic Syndromes, Hereditary; Tumor predisposition; Hereditary Cancer Syndrome. Identifiers: Orphanet 140162, MedGen C0027672, MeSH D009386, MONDO:0015356.

Submission:

Ambry Genetics
Classification: Uncertain significance for Hereditary cancer-predisposing syndrome. Last evaluated: 2025-06-21. Review status: criteria provided, single submitter. Criteria: Ambry Variant Classification Scheme 2023. Collection method: clinical testing. Allele origin: germline.
Comment: The p.F271L variant (also known as c.811T>C) is located in coding exon 9 of the NF2 gene. The phenylalanine at codon 271 is replaced by leucine, an amino acid with highly similar properties. This change occurs in the first base pair of coding exon 9. This amino acid position is conserved. In addition, the in silico prediction for this alteration is inconclusive. Based on the available evidence, the clinical significance of this variant remains unclear.